The following is an entry in ClinVar:

NM_001376013.1(EPB41):c.2179G>T (p.Glu727Ter)

Gene: EPB41 (erythrocyte membrane protein band 4.1; plus strand). Cytogenetic location: 1p35.3.
Variant type: single nucleotide variant.
Coding change: c.2179G>T on transcript NM_001376013.1 (MANE Select); coding-DNA position 2179, G replaced by T.
Protein change: p.Glu727Ter; replaces glutamic acid 727 with a stop codon.
Molecular consequence: nonsense.
Genome position (GRCh38, 1-based): chr1:29,065,153, G>T. VCF-style: chr1-29065153-G-T. GRCh37 (hg19) VCF-style: chr1-29391665-G-T.
Other names: c.2179G>T, p.Glu727Ter (NM_001166005.2, NM_001376016.1, NM_001376017.1 and 1 more transcripts); c.2137G>T, p.Glu713Ter (NM_001166006.2); c.1390G>T, p.Glu464Ter (NM_001166007.2, NM_001376027.1); c.2074G>T, p.Glu692Ter (NM_001376014.1, NM_001376015.1); c.2176G>T, p.Glu726Ter (NM_001376018.1, NM_001376020.1); c.2017G>T, p.Glu673Ter (NM_001376021.1); c.1552G>T, p.Glu518Ter (NM_001376022.1, NM_001376023.1, NM_001376024.1 and 1 more transcripts); c.1444G>T, p.Glu482Ter (NM_001376026.1); and 4 more; short protein forms E464*, E638*, E713*, E726*, E485*, E504*, E518*, E692*.
Identifiers: ClinVar variation 4736259 (VCV004736259.1).

ClinVar aggregate classification (germline): Pathogenic (1 of 4 stars; one submission).

Submission:

Labcorp Genetics (formerly Invitae), Labcorp
Classification: Pathogenic. Last evaluated: 2026-01-26. Review status: criteria provided, single submitter. Criteria: Invitae Variant Classification Sherloc (09022015). Collection method: clinical testing. Allele origin: germline.
Comment: This sequence change creates a premature translational stop signal (p.Glu485*) in the EPB41 gene. It is expected to result in an absent or disrupted protein product. Loss-of-function variants in EPB41 are known to be pathogenic (PMID: 21839655, 27551681, 27667160, 33942936). This variant is not present in population databases (gnomAD no frequency). This variant has not been reported in the literature in individuals affected with EPB41-related conditions. For these reasons, this variant has been classified as Pathogenic.

Literature cited by the submitters: PubMed 21839655; PubMed 27551681; PubMed 27667160; PubMed 33942936.